The following is an entry in ClinVar:

ClinVar aggregate classification (germline): Pathogenic/Likely pathogenic. Review status: criteria provided, multiple submitters, no conflicts (2 of 4 stars). 6 submissions from 6 submitters: Pathogenic (2); Likely pathogenic (4). Last evaluated 2026-11-13.

Conditions:
SPTBN2-related disorder. Also called: SPTBN2-related condition.
Spinocerebellar ataxia type 5 (SCA5). Identifiers: Orphanet 98766, MedGen C0752123, MONDO:0010848, OMIM 600224.

Submissions (6):

Department of Pediatrics, Guangdong Medical University
Classification: Likely pathogenic for Spinocerebellar ataxia type 5. Last evaluated: 2026-11-13. Review status: criteria provided, single submitter. Criteria: ACMG Guidelines, 2015. Collection method: research. Allele origin: de novo. Inheritance: Autosomal dominant inheritance. Affected: yes. Observed: 1 variant allele, 1 heterozygote.
Comment: The variant c.1309C>T (p.Arg437Trp) in SPTBN2 is classified as Likely Pathogenic based on the following evidence: PS2 (de novo occurrence confirmed by Sanger sequencing); PM1 (located in the second spectrin repeat, a critical functional domain essential for protein dimerization and a hotspot for infantile-onset variants); PM2 (absent from large-scale population databases including gnomAD); and PP3 (multiple computational prediction tools, such as PolyPhen-2, SIFT, and CADD, support a deleterious effect). Additionally, the Arg437 residue is highly conserved across species, and mutations in this region are known to exert a dominant-negative effect, impairing β-III spectrin function.

3billion
Classification: Pathogenic for Spinocerebellar ataxia type 5. Last evaluated: 2025-11-27. Review status: criteria provided, single submitter. Criteria: ACMG Guidelines, 2015. Collection method: clinical testing. Allele origin: germline. Affected: yes.
Comment: The variant is not observed in the gnomAD v4.1.0 dataset. Predicted Consequence/Location: Missense variant In silico tool predictions suggest damaging effect of the variant on gene or gene product [3Cnet: 0.99 (> 0.75, sensitivity 0.96 and precision 0.92)]. The same nucleotide change resulting in the same amino acid change has been previously reported as pathogenic/likely pathogenic with strong evidence (ClinVar ID: VCV000928964 /PMID: 31066025 /3billion dataset). The variant has been previously reported as de novo in a similarly affected individual (PMID: 31066025). Different missense changes at the same codon (p.Arg437Gln, p.Arg437Gly) have been reported as pathogenic/likely pathogenic with strong evidence (ClinVar ID: VCV000546676 /PMID: 26633542, 31066025 /3billion dataset). Therefore, this variant is classified as Pathogenic according to the recommendation of ACMG/AMP guideline.

GeneDx
Classification: Pathogenic. Last evaluated: 2025-07-31. Review status: criteria provided, single submitter. Criteria: GeneDx Variant Classification Process June 2021. Collection method: clinical testing. Allele origin: germline.
Comment: Not observed at significant frequency in large population cohorts (gnomAD); In silico analysis supports that this missense variant has a deleterious effect on protein structure/function; This variant is associated with the following publications: (PMID: 31721007, 33084218, 31066025, 34234304)

Blueprint Genetics
Classification: Likely pathogenic for SPTBN2-related disorders. Last evaluated: 2022-04-27. Review status: criteria provided, single submitter. Criteria: ACMG Guidelines, 2015. Collection method: clinical testing. Allele origin: germline. Affected: yes. Observed: 3 variant alleles.

Women's Health and Genetics/Laboratory Corporation of America, LabCorp
Classification: Likely pathogenic for Spinocerebellar ataxia type 5. Last evaluated: 2019-11-26. Review status: criteria provided, single submitter. Criteria: LabCorp Variant Classification Summary - May 2015. Collection method: clinical testing. Allele origin: germline.
Comment: Variant summary: SPTBN2 c.1309C>T (p.Arg437Trp) results in a non-conservative amino acid change in the encoded protein sequence. Four of five in-silico tools predict a damaging effect of the variant on protein function. The variant was absent in 249430 control chromosomes (gnomAD). c.1309C>T has been reported in the literature as a de novo occurrence in an individual affected with cerebellar ataxia (Nicita_2019). A different variant affecting the same codon (c.1309C>G, p.R437G) has been reported in several patients with Spinocerebellar ataxia type 5 (e.g. PMID: 31617442, 30898343). These data indicate that the variant may be associated with disease. To our knowledge, no experimental evidence demonstrating an impact on protein function has been reported. No clinical diagnostic laboratories have submitted clinical-significance assessments for this variant to ClinVar after 2014. Based on the evidence outlined above, the variant was classified as likely pathogenic.

Kasturba Medical College, Manipal, Kasturba Medical College, Manipal, Manipal Academy of Higher Education, Manipal, India
Classification: Likely pathogenic for Spinocerebellar ataxia type 5. Review status: criteria provided, single submitter. Criteria: ACMG Guidelines, 2015. Collection method: research. Allele origin: de novo. Inheritance: Autosomal dominant inheritance. Affected: yes.
Comment: This variant is absent in homozygous and/or heterozygous state in the gnomAD (v4.1.0) population database and our in-house data of 3754 exomes.

Literature cited by the submitters: PubMed 31066025 (cited by 4 submitters); PubMed 26633542 (cited by 3billion); PubMed 31721007 (cited by Women's Health and Genetics/Laboratory Corporation of America, LabCorp).

NM_006946.4(SPTBN2):c.1309C>T (p.Arg437Trp)

Gene: SPTBN2 (spectrin beta, non-erythrocytic 2; minus strand). Cytogenetic location: 11q13.2.
Variant type: single nucleotide variant.
Coding change: c.1309C>T on transcript NM_006946.4 (MANE Select); coding-DNA position 1309, C replaced by T.
Protein change: p.Arg437Trp; replaces arginine 437 with tryptophan.
Molecular consequence: missense variant.
Genome position (GRCh38, 1-based): chr11:66,708,182, G>A on the plus strand (C>T on the coding strand, the complement: SPTBN2 is on the minus strand). VCF-style: chr11-66708182-G-A. GRCh37 (hg19) VCF-style: chr11-66475653-G-A.
Other names: short protein forms R437W.
Identifiers: ClinVar variation 928964 (VCV000928964.9), dbSNP rs1941669517, ClinGen allele CA381481176.